The following is an entry in ClinVar:

NM_005475.3(SH2B3):c.1558T>A (p.Ser520Thr)

Gene: SH2B3 (SH2B adaptor protein 3; plus strand). Cytogenetic location: 12q24.12.
Variant type: single nucleotide variant.
Coding change: c.1558T>A on transcript NM_005475.3 (MANE Select); coding-DNA position 1558, T replaced by A.
Protein change: p.Ser520Thr; replaces serine 520 with threonine.
Molecular consequence: missense variant.
Genome position (GRCh38, 1-based): chr12:111,448,132, T>A. VCF-style: chr12-111448132-T-A. GRCh37 (hg19) VCF-style: chr12-111885936-T-A.
Other names: c.952T>A, p.Ser318Thr (NM_001291424.1); short protein forms S520T, S318T.
Identifiers: ClinVar variation 5029454 (VCV005029454.1).

ClinVar aggregate classification (germline): Uncertain significance (1 of 4 stars; one submission).

Conditions:
Inborn genetic diseases. Identifiers: MedGen C0950123, MeSH D030342.

gnomAD v4.1: 5 of 1,613,964 alleles (0.00031%); highest among the groups gnomAD compares: Non-Finnish European, 0.00042%; no homozygotes.

Submission:

Ambry Genetics
Classification: Uncertain significance for Inborn genetic diseases. Last evaluated: 2026-06-19. Review status: criteria provided, single submitter. Criteria: Ambry Variant Classification Scheme 2023. Collection method: clinical testing. Allele origin: germline.
Comment: The p.S520T variant (also known as c.1558T>A), located in coding exon 7 of the SH2B3 gene, results from a T to A substitution at nucleotide position 1558. The serine at codon 520 is replaced by threonine, an amino acid with similar properties. This amino acid position is conserved. In addition, this alteration is predicted to be tolerated by in silico analysis. Based on the available evidence, the clinical significance of this variant remains unclear.